The following is an entry in ClinVar:

NM_001190274.2(FBXO11):c.442+1G>C

Gene: FBXO11 (F-box protein 11; minus strand). Cytogenetic location: 2p16.3.
Variant type: single nucleotide variant.
Coding change: c.442+1G>C on transcript NM_001190274.2 (MANE Select); the canonical splice donor site of the intron after coding-DNA position 442, G replaced by C.
Molecular consequence: splice donor variant.
Genome position (GRCh38, 1-based): chr2:47,839,418, C>G on the plus strand (G>C on the coding strand, the complement: FBXO11 is on the minus strand). VCF-style: chr2-47839418-C-G. GRCh37 (hg19) VCF-style: chr2-48066557-C-G.
Other names: c.190+1G>C (NM_001374325.1, NM_025133.4).
Identifiers: ClinVar variation 3907271 (VCV003907271.1).
Genomic context (GRCh38, chr2:47,839,418, plus strand): 5'-GTATCAAGCAAAATTAAAAAAAATTATTTTACCCTATTTGTTACTTTCCCACAGGAAATA[C>G]CTGATAGATCTTGTGATTTTCCAGACACTCTTGCACGTTTTGCACGATGACCAAAGTTTT-3'

ClinVar aggregate classification (germline): Likely pathogenic (1 of 4 stars; one submission).

Conditions:
Intellectual developmental disorder with dysmorphic facies and behavioral abnormalities. Identifiers: MedGen C4748135, MONDO:0060760, OMIM 618089.

Submission:

Women's Health and Genetics/Laboratory Corporation of America, LabCorp
Classification: Likely pathogenic for Intellectual developmental disorder with dysmorphic facies and behavioral abnormalities. Last evaluated: 2025-06-09. Review status: criteria provided, single submitter. Criteria: LabCorp Variant Classification Summary - May 2015. Collection method: clinical testing. Allele origin: germline.
Comment: Variant summary: FBXO11 c.442+1G>C is located in a canonical splice-site and is predicted to affect mRNA splicing resulting in a significantly altered protein due to either exon skipping, shortening, or inclusion of intronic material. Variants that disrupt the consensus splice site are a relatively common cause of aberrant splicing and loss of FBXO11 function. Several computational tools predict a significant impact on normal splicing: Four predict the variant abolishes a 5' splicing donor site. However, these predictions have yet to be confirmed by functional studies. The variant was absent in 248722 control chromosomes. To our knowledge, no occurrence of c.442+1G>C in individuals affected with Intellectual Developmental Disorder With Dysmorphic Facies And Behavioral Abnormalities and no experimental evidence demonstrating its impact on protein function have been reported. No submitters have cited clinical-significance assessments for this variant to ClinVar. Based on the evidence outlined above, the variant was classified as likely pathogenic.